The following is an entry in ClinVar:

ClinVar aggregate classification (germline): Uncertain significance (1 of 4 stars; one submission).

Conditions:
Fanconi anemia complementation group O. Also called: RAD51C-Related Fanconi Anemia. Identifiers: Orphanet 84, MedGen C3150653, MONDO:0013248, OMIM 613390.

Submission:

Labcorp Genetics (formerly Invitae), Labcorp
Classification: Uncertain significance for Fanconi anemia complementation group O. Last evaluated: 2022-11-01. Review status: criteria provided, single submitter. Criteria: Invitae Variant Classification Sherloc (09022015). Collection method: clinical testing. Allele origin: germline.
Comment: This variant, c.181_189del, results in the deletion of 3 amino acid(s) of the RAD51C protein (p.Leu61_Ile63del), but otherwise preserves the integrity of the reading frame. In summary, the available evidence is currently insufficient to determine the role of this variant in disease. Therefore, it has been classified as a Variant of Uncertain Significance. Experimental studies and prediction algorithms are not available or were not evaluated, and the functional significance of this variant is currently unknown. This variant has not been reported in the literature in individuals affected with RAD51C-related conditions. This variant is not present in population databases (gnomAD no frequency).

NM_058216.3(RAD51C):c.181_189del (p.Leu61_Ile63del)

Gene: RAD51C (RAD51 paralog C; plus strand). Cytogenetic location: 17q22.
Variant type: Deletion.
Coding change: c.181_189del on transcript NM_058216.3 (MANE Select); coding-DNA positions 181 to 189, 9 bases deleted (CTGCAAATT; older notation c.181_189delCTGCAAATT).
Protein change: p.Leu61_Ile63del.
Molecular consequence: inframe deletion. On other transcripts: inframe indel (1), non-coding transcript variant (2).
Genome position (GRCh38, 1-based): chr17:58,694,966-58,694,974, CTGCAAATT deleted; deleting any 9 consecutive bases within chr17:58,694,965-58,694,974 gives the same sequence; the c. name uses the placement nearest the transcript's 3' end. VCF-style (leftmost placement, unchanged base first): chr17-58694964-CTCTGCAAAT-C. GRCh37 (hg19) VCF-style: chr17-56772325-CTCTGCAAAT-C.
Other names: c.181_189del, p.Leu61_Ile63del (NM_002876.4); c.181_189delCTGCAAATT, p.Leu61_Ile63del (NM_058217.1).
Identifiers: ClinVar variation 2811155 (VCV002811155.3), dbSNP rs2509273223, ClinGen allele CA2739265737.